The following is an entry in ClinVar:

NM_021073.4(BMP5):c.846C>T (p.Asn282=)

Gene: BMP5 (bone morphogenetic protein 5; minus strand). Cytogenetic location: 6p12.1.
Variant type: single nucleotide variant.
Coding change: c.846C>T on transcript NM_021073.4 (MANE Select); coding-DNA position 846, C replaced by T.
Protein change: p.Asn282=; no amino-acid change (asparagine 282 retained).
Molecular consequence: synonymous variant.
Genome position (GRCh38, 1-based): chr6:55,774,230, G>A on the plus strand (C>T on the coding strand, the complement: BMP5 is on the minus strand). VCF-style: chr6-55774230-G-A. GRCh37 (hg19) VCF-style: chr6-55639028-G-A.
Other names: c.846C>T, p.Asn282= (NM_001329754.2, NM_001329756.2).
Identifiers: ClinVar variation 3060109 (VCV003060109.2), dbSNP rs41271330, ClinGen allele CA3864762.

ClinVar aggregate classification (germline): Benign (0 of 4 stars; one submission).

Conditions:
BMP5-related disorder. Also called: BMP5-related condition.

Allele frequency attached by ClinVar (database versions not stated): 1000 Genomes Project 30x 0.08869; 1000 Genomes Project 0.09145; TOPMed 0.09149; gnomAD 0.09340; ESP Exome Variant Server 0.09511; ExAC 0.10874; gnomAD exomes 0.12367.
gnomAD v4.1: 194,521 of 1,612,094 alleles (12%); highest among the groups gnomAD compares: East Asian, 15%; 12,686 homozygotes.

Submission:

PreventionGenetics, part of Exact Sciences
Classification: Benign for BMP5-related condition. Last evaluated: 2019-11-18. Review status: no assertion criteria provided. Collection method: clinical testing. Allele origin: germline.
Comment: This variant is classified as benign based on ACMG/AMP sequence variant interpretation guidelines (Richards et al. 2015 PMID: 25741868, with internal and published modifications).